The following is an entry in ClinVar:

ClinVar aggregate classification (germline): Uncertain significance (1 of 4 stars; one submission).

Conditions:
Inborn genetic diseases. Identifiers: MedGen C0950123, MeSH D030342.

Submission:

Ambry Genetics
Classification: Uncertain significance for Inborn genetic diseases. Last evaluated: 2022-05-29. Review status: criteria provided, single submitter. Criteria: Ambry Variant Classification Scheme 2023. Collection method: clinical testing. Allele origin: germline.
Comment: The p.R39L variant (also known as c.116G>T), located in coding exon 1 of the ACD gene, results from a G to T substitution at nucleotide position 116. The arginine at codon 39 is replaced by leucine, an amino acid with dissimilar properties. This amino acid position is conserved. In addition, this alteration is predicted to be tolerated by in silico analysis. Since supporting evidence is limited at this time, the clinical significance of this alteration remains unclear.

NM_001082486.1(ACD):c.116G>T (p.Arg39Leu)

Genes: ACD (ACD shelterin complex subunit and telomerase recruitment factor; minus strand), LOC130059224 (ATAC-STARR-seq lymphoblastoid silent region 7617; plus strand). Cytogenetic location: 16q22.1.
Variant type: single nucleotide variant.
Coding change: c.116G>T on transcript NM_001082486.1; coding-DNA position 116, G replaced by T.
Protein change: p.Arg39Leu; replaces arginine 39 with leucine.
Genome position (GRCh38, 1-based): chr16:67,660,363, C>A on the plus strand (G>T on the coding strand, the complement: ACD is on the minus strand). VCF-style: chr16-67660363-C-A. GRCh37 (hg19) VCF-style: chr16-67694266-C-A.
Other names: short protein forms R39L.
Identifiers: ClinVar variation 1739265 (VCV001739265.2), dbSNP rs199612237, ClinGen allele CA396359726.
Genomic context (GRCh38, chr16:67,660,363, plus strand): 5'-TCCTTCGCTGGGCGGGGCCGGAGGAGGAGGCCCCGCCCACGTACACCCCGCGCCTGCGCA[C>A]GAGGGCGTCCTGCTCGGGGGCCTGTGTGCAGACTCCCGCTGGTCCACCCCGCTGGTGCAC-3'